The following is an entry in ClinVar:

NM_005359.6(SMAD4):c.643C>T (p.Pro215Ser)

Gene: SMAD4 (SMAD family member 4; plus strand). Cytogenetic location: 18q21.2.
Variant type: single nucleotide variant.
Coding change: c.643C>T on transcript NM_005359.6 (MANE Select); coding-DNA position 643, C replaced by T.
Protein change: p.Pro215Ser; replaces proline 215 with serine.
Molecular consequence: missense variant.
Genome position (GRCh38, 1-based): chr18:51,054,969, C>T. VCF-style: chr18-51054969-C-T. GRCh37 (hg19) VCF-style: chr18-48581339-C-T.
Other names: short protein forms P215S.
Identifiers: ClinVar variation 418498 (VCV000418498.23), dbSNP rs1064793270, ClinGen allele CA16620701.

ClinVar aggregate classification (germline): Uncertain significance. Review status: criteria provided, multiple submitters, no conflicts (2 of 4 stars). 5 submissions from 5 submitters: Uncertain significance (5). Last evaluated 2024-12-29.

Conditions:
Juvenile polyposis syndrome (JPS). Identifiers: Orphanet 2929, MedGen C0345893, MONDO:0017380, OMIM 174900.
Hereditary cancer-predisposing syndrome. Also called: Neoplastic Syndromes, Hereditary; Hereditary Cancer Syndrome; Hereditary neoplastic syndrome; Tumor predisposition. Identifiers: Orphanet 140162, MedGen C0027672, MeSH D009386, MONDO:0015356.
Familial thoracic aortic aneurysm and aortic dissection (TAAD). Also called: Thoracic aortic aneurysms and dissections. Identifiers: Orphanet 91387, MedGen C4707243, MONDO:0019625.
Juvenile polyposis/hereditary hemorrhagic telangiectasia syndrome (JPHT). Also called: POLYPOSIS, GENERALIZED JUVENILE, WITH PULMONARY ARTERIOVENOUS MALFORMATION; TELANGIECTASIA, HEREDITARY HEMORRHAGIC, WITH JUVENILE POLYPOSIS COLI; Juvenile Polyposis Syndrome / Hereditary Hemorrhagic Telangiectasia (JPS/HHT); JP/HHT SYNDROME; JUVENILE POLYPOSIS WITH HEREDITARY HEMORRHAGIC TELANGIECTASIA. Identifiers: Orphanet 2929, MedGen C1832942, MONDO:0008278, OMIM 175050.

Submissions (5):

Ambry Genetics
Classification: Uncertain significance for Hereditary cancer-predisposing syndrome; Familial thoracic aortic aneurysm and aortic dissection. Last evaluated: 2024-12-29. Review status: criteria provided, single submitter. Criteria: Ambry Variant Classification Scheme 2023. Collection method: clinical testing. Allele origin: germline.
Comment: The p.P215S variant (also known as c.643C>T), located in coding exon 4 of the SMAD4 gene, results from a C to T substitution at nucleotide position 643. The proline at codon 215 is replaced by serine, an amino acid with similar properties. This amino acid position is highly conserved in available vertebrate species. In addition, the in silico prediction for this alteration is inconclusive. Since supporting evidence is limited at this time, the clinical significance of this alteration remains unclear.

Labcorp Genetics (formerly Invitae), Labcorp
Classification: Uncertain significance for Juvenile polyposis syndrome. Last evaluated: 2024-09-04. Review status: criteria provided, single submitter. Criteria: Invitae Variant Classification Sherloc (09022015). Collection method: clinical testing. Allele origin: germline.
Comment: This sequence change replaces proline, which is neutral and non-polar, with serine, which is neutral and polar, at codon 215 of the SMAD4 protein (p.Pro215Ser). This variant is not present in population databases (gnomAD no frequency). This variant has not been reported in the literature in individuals affected with SMAD4-related conditions. ClinVar contains an entry for this variant (Variation ID: 418498). Invitae Evidence Modeling of protein sequence and biophysical properties (such as structural, functional, and spatial information, amino acid conservation, physicochemical variation, residue mobility, and thermodynamic stability) indicates that this missense variant is not expected to disrupt SMAD4 protein function with a negative predictive value of 95%. In summary, the available evidence is currently insufficient to determine the role of this variant in disease. Therefore, it has been classified as a Variant of Uncertain Significance.

Color Diagnostics, LLC DBA Color Health
Classification: Uncertain significance for Hereditary cancer-predisposing syndrome. Last evaluated: 2023-12-04. Review status: criteria provided, single submitter. Criteria: ACMG Guidelines, 2015. Collection method: clinical testing. Allele origin: germline.
Comment: This missense variant replaces proline with serine at codon 215 of the SMAD4 protein. Computational prediction suggests that this variant may not impact protein structure and function (internally defined REVEL score threshold <= 0.5, PMID: 27666373). To our knowledge, functional studies have not been reported for this variant. This variant has not been reported in individuals affected with SMAD4-related disorders in the literature. This variant has not been identified in the general population by the Genome Aggregation Database (gnomAD). The available evidence is insufficient to determine the role of this variant in disease conclusively. Therefore, this variant is classified as a Variant of Uncertain Significance.

Baylor Genetics
Classification: Uncertain significance for Juvenile polyposis/hereditary hemorrhagic telangiectasia syndrome. Last evaluated: 2023-10-22. Review status: criteria provided, single submitter. Criteria: ACMG Guidelines, 2015. Collection method: clinical testing. Allele origin: unknown.

GeneDx
Classification: Uncertain significance. Last evaluated: 2015-02-19. Review status: criteria provided, single submitter. Criteria: GeneDx Variant Classification (06012015). Collection method: clinical testing. Allele origin: germline. Affected: yes.
Comment: This variant is denoted SMAD4 c.643C>T at the cDNA level, p.Pro215Ser (P215S) at the protein level, and results in the change of a Proline to a Serine (CCC>TCC). This variant has not, to our knowledge, been published in the literature as pathogenic or benign. SMAD4 Pro215Ser was not observed in approximately 6,500 individuals of European and African American ancestry in the NHLBI Exome Sequencing Project, indicating it is not a common benign variant in these populations. Since Proline and Serine differ in polarity, charge, size or other properties, this is considered a non-conservative amino acid substitution. SMAD4 Pro215Ser occurs at a position that is highly conserved across species and is not located in a known functional domain (UniProt). In silico analyses are inconsistent regarding the effect this variant may have on protein structure and function. Based on currently available information, it is unclear whether SMAD4 Pro215Ser is pathogenic or benign. We consider it to be a variant of uncertain significance.